The following is an entry in ClinVar:

NM_000126.4(ETFA):c.625C>G (p.Arg209Gly)

Gene: ETFA (electron transfer flavoprotein subunit alpha; minus strand). Cytogenetic location: 15q24.2.
Variant type: single nucleotide variant.
Coding change: c.625C>G on transcript NM_000126.4 (MANE Select); coding-DNA position 625, C replaced by G.
Protein change: p.Arg209Gly; replaces arginine 209 with glycine.
Molecular consequence: missense variant.
Genome position (GRCh38, 1-based): chr15:76,285,676, G>C on the plus strand (C>G on the coding strand, the complement: ETFA is on the minus strand). VCF-style: chr15-76285676-G-C. GRCh37 (hg19) VCF-style: chr15-76578017-G-C.
Other names: c.478C>G, p.Arg160Gly (NM_001127716.2); short protein forms R160G, R209G.
Identifiers: ClinVar variation 1432093 (VCV001432093.3), dbSNP rs199763682, ClinGen allele CA393513184.
Genomic context (GRCh38, chr15:76,285,676, plus strand): 5'-TAAGATTAATATTTCACTTACCACCAGATACCACCACTTTGGCACCTGTTAGCTCTGGTC[G>C]ATCACTTTTTGTTAATTTCTGGTCAAGCCACTCTGATATTTCCACTGGTGAAGTACTTGA-3'
Protein context (NP_000117.1, residues 199-219): WLDQKLTKSD[Arg209Gly]PELTGAKVVV

ClinVar aggregate classification (germline): Uncertain significance (1 of 4 stars; one submission).

Conditions:
Multiple acyl-CoA dehydrogenase deficiency (MADD). Also called: Glutaric acidemia type II; GA 2; Glutaric Acidemia type 2; ETHYLMALONIC-ADIPICACIDURIA; GA II; Glutaric aciduria, type 2. Identifiers: Orphanet 26791, MedGen C0268596, MONDO:0009282, OMIM 231680.

gnomAD v4.1: 7 of 1,611,974 alleles (0.00043%); highest among the groups gnomAD compares: African/African-American, 0.0013%; no homozygotes.

Submission:

Labcorp Genetics (formerly Invitae), Labcorp
Classification: Uncertain significance for Multiple acyl-CoA dehydrogenase deficiency. Last evaluated: 2021-10-15. Review status: criteria provided, single submitter. Criteria: Invitae Variant Classification Sherloc (09022015). Collection method: clinical testing. Allele origin: germline.
Comment: This sequence change replaces arginine with glycine at codon 209 of the ETFA protein (p.Arg209Gly). The arginine residue is highly conserved and there is a moderate physicochemical difference between arginine and glycine. This variant is not present in population databases (ExAC no frequency). This variant has not been reported in the literature in individuals with ETFA-related conditions. Algorithms developed to predict the effect of missense changes on protein structure and function (SIFT, PolyPhen-2, Align-GVGD) all suggest that this variant is likely to be disruptive, but these predictions have not been confirmed by published functional studies and their clinical significance is uncertain. In summary, the available evidence is currently insufficient to determine the role of this variant in disease. Therefore, it has been classified as a Variant of Uncertain Significance.